The following is an entry in ClinVar:

ClinVar aggregate classification (germline): Conflicting classifications of pathogenicity. Review status: criteria provided, conflicting classifications (1 of 4 stars). 4 submissions from 4 submitters: Uncertain significance (2); Likely benign (1). 1 of the submissions does not count toward it. Last evaluated 2025-02-26.

Conditions:
Hereditary cancer-predisposing syndrome. Also called: Tumor predisposition; Neoplastic Syndromes, Hereditary; Hereditary Cancer Syndrome; Hereditary neoplastic syndrome. Identifiers: Orphanet 140162, MedGen C0027672, MeSH D009386, MONDO:0015356.
Hereditary breast ovarian cancer syndrome. Also called: Hereditary breast and ovarian cancer syndrome (HBOC); Hereditary breast and ovarian cancer syndrome; Hereditary breast and ovarian cancer; Hereditary breast and/or ovarian cancer syndrome; Breast and ovarian cancer; BRCA1- and BRCA2-Associated Hereditary Breast and Ovarian Cancer. Identifiers: Orphanet 145, MedGen C0677776, MeSH D061325, MONDO:0003582. Disease mechanism: loss of function.
Breast-ovarian cancer, familial, susceptibility to, 1 (BROVCA1). Also called: OVARIAN CANCER, SUSCEPTIBILITY TO; BRCA1 Hereditary Breast and Ovarian Cancer. Identifiers: Orphanet 145, MedGen C2676676, MONDO:0011450, OMIM 604370. Disease mechanism: loss of function.

Submissions (4):

Ambry Genetics
Classification: Uncertain significance for Hereditary cancer-predisposing syndrome. Last evaluated: 2025-02-26. Review status: criteria provided, single submitter. Criteria: Ambry Variant Classification Scheme 2023. Collection method: clinical testing. Allele origin: germline.
Comment: The p.Q1359E variant (also known as c.4075C>G), located in coding exon 9 of the BRCA1 gene, results from a C to G substitution at nucleotide position 4075. The glutamine at codon 1359 is replaced by glutamic acid, an amino acid with highly similar properties. This amino acid position is not well conserved in available vertebrate species. In addition, the in silico prediction for this alteration is inconclusive. Since supporting evidence is limited at this time, the clinical significance of this alteration remains unclear.

University of Washington Department of Laboratory Medicine, University of Washington
Classification: Likely benign for Hereditary cancer-predisposing syndrome. Last evaluated: 2023-03-23. Review status: criteria provided, single submitter. Criteria: Dines et al. (Genet Med. 2020). Collection method: curation. Allele origin: germline.
Comment: Missense variant in a coldspot region where missense variants are very unlikely to be pathogenic (PMID:31911673).

BRCA1 coldspot (exon 11 using historical exon numbering). Reclassification based on statistical prior probability

Labcorp Genetics (formerly Invitae), Labcorp
Classification: Uncertain significance for Hereditary breast ovarian cancer syndrome. Last evaluated: 2019-09-10. Review status: criteria provided, single submitter. Criteria: Invitae Variant Classification Sherloc (09022015). Collection method: clinical testing. Allele origin: germline.
Comment: In summary, the available evidence is currently insufficient to determine the role of this variant in disease. Therefore, it has been classified as a Variant of Uncertain Significance. Algorithms developed to predict the effect of missense changes on protein structure and function (SIFT, PolyPhen-2, Align-GVGD) all suggest that this variant is likely to be tolerated, but these predictions have not been confirmed by published functional studies and their clinical significance is uncertain. This variant has not been reported in the literature in individuals with BRCA1-related disease. ClinVar contains an entry for this variant (Variation ID: 37563). This variant is not present in population databases (ExAC no frequency). This sequence change replaces glutamine with glutamic acid at codon 1359 of the BRCA1 protein (p.Gln1359Glu). The glutamine residue is moderately conserved and there is a small physicochemical difference between glutamine and glutamic acid.

Sharing Clinical Reports Project (SCRP)
Classification: Uncertain significance for Breast-ovarian cancer, familial 1. Last evaluated: 2011-06-03. Review status: no assertion criteria provided. Collection method: clinical testing. Allele origin: germline. Not counted in ClinVar's aggregate classification.

NM_007294.4(BRCA1):c.4075C>G (p.Gln1359Glu)

Genes: BRCA1 (BRCA1 DNA repair associated; minus strand), LOC126862571 (BRD4-independent group 4 enhancer GRCh37_chr17:41243136-41244335; plus strand). Cytogenetic location: 17q21.31.
Variant type: single nucleotide variant.
Coding change: c.4075C>G on transcript NM_007294.4 (MANE Select); coding-DNA position 4075, C replaced by G.
Protein change: p.Gln1359Glu; replaces glutamine 1359 with glutamic acid.
Molecular consequence: missense variant. On other transcripts: intron variant (135).
Genome position (GRCh38, 1-based): chr17:43,091,456, G>C on the plus strand (C>G on the coding strand, the complement: BRCA1 is on the minus strand). VCF-style: chr17-43091456-G-C. GRCh37 (hg19) VCF-style: chr17-41243473-G-C.
Other names: 4194C>G; c.3862C>G, p.Gln1288Glu (NM_001407571.1, NM_001407853.1, NM_001407894.1 and 9 more transcripts); c.4075C>G, p.Gln1359Glu (NM_001407581.1, NM_001407582.1, NM_001407583.1 and 30 more transcripts); c.4072C>G, p.Gln1358Glu (NM_001407587.1, NM_001407590.1, NM_001407591.1 and 22 more transcripts); c.4066C>G, p.Gln1356Glu (NM_001407646.1, NM_001407647.1); c.3952C>G, p.Gln1318Glu (NM_001407648.1, NM_001407664.1, NM_001407665.1 and 19 more transcripts); c.3949C>G, p.Gln1317Glu (NM_001407649.1, NM_001407670.1, NM_001407671.1 and 11 more transcripts); c.3997C>G, p.Gln1333Glu (NM_001407653.1, NM_001407654.1, NM_001407655.1 and 4 more transcripts); and 42 more; short protein forms Q1359E, Q1312E, Q1063E, Q1292E, Q1311E, Q1317E, Q1318E, Q1333E.
Identifiers: ClinVar variation 37563 (VCV000037563.20), dbSNP rs80357456, ClinGen allele CA002605.